The following is an entry in ClinVar:

NM_003835.4(RGS9):c.262G>T (p.Asp88Tyr)

Gene: RGS9 (regulator of G protein signaling 9; plus strand). Cytogenetic location: 17q24.1.
Variant type: single nucleotide variant.
Coding change: c.262G>T on transcript NM_003835.4 (MANE Select); coding-DNA position 262, G replaced by T.
Protein change: p.Asp88Tyr; replaces aspartic acid 88 with tyrosine.
Molecular consequence: missense variant.
Genome position (GRCh38, 1-based): chr17:65,160,289, G>T. VCF-style: chr17-65160289-G-T. GRCh37 (hg19) VCF-style: chr17-63156407-G-T.
Other names: c.262G>T, p.Asp88Tyr (NM_001081955.3, NM_001165933.2); short protein forms D88Y.
Identifiers: ClinVar variation 971443 (VCV000971443.11), dbSNP rs376498676, ClinGen allele CA8717573.
Genomic context (GRCh38, chr17:65,160,289, plus strand): 5'-CCAGAGGCACAGAACTTGGGCAACTTTATTGTCAGGTATGGCTACATTTACCCCCTGCAA[G>T]ACCCCAAGAATCTCATTCTCAAGCCTGATGGCAGCCTCTACAGATTTCAGGTGAGTCTTG-3'
Protein context (NP_003826.2, residues 78-98): VRYGYIYPLQ[Asp88Tyr]PKNLILKPDG

ClinVar aggregate classification (germline): Uncertain significance. Review status: criteria provided, multiple submitters, no conflicts (2 of 4 stars). 2 submissions from 2 submitters: Uncertain significance (2). Last evaluated 2022-10-06.

Conditions:
Inborn genetic diseases. Identifiers: MedGen C0950123, MeSH D030342.

Allele frequency attached by ClinVar (database versions not stated): gnomAD exomes below 0.00001 and 0.00002; ExAC 0.00001; gnomAD 0.00001; TOPMed 0.00001; ESP Exome Variant Server 0.00008.
gnomAD v4.1: 37 of 1,614,098 alleles (0.0023%); highest among the groups gnomAD compares: Non-Finnish European, 0.003%; no homozygotes.

Submissions (2):

Ambry Genetics
Classification: Uncertain significance for Inborn genetic diseases. Last evaluated: 2022-10-06. Review status: criteria provided, single submitter. Criteria: Ambry Variant Classification Scheme 2023. Collection method: clinical testing. Allele origin: germline.

Labcorp Genetics (formerly Invitae), Labcorp
Classification: Uncertain significance. Last evaluated: 2022-03-29. Review status: criteria provided, single submitter. Criteria: Invitae Variant Classification Sherloc (09022015). Collection method: clinical testing. Allele origin: germline.
Comment: In summary, the available evidence is currently insufficient to determine the role of this variant in disease. Therefore, it has been classified as a Variant of Uncertain Significance. Algorithms developed to predict the effect of sequence changes on RNA splicing suggest that this variant may disrupt the consensus splice site. Algorithms developed to predict the effect of missense changes on protein structure and function are either unavailable or do not agree on the potential impact of this missense change (SIFT: "Deleterious"; PolyPhen-2: "Benign"; Align-GVGD: "Class C0"). ClinVar contains an entry for this variant (Variation ID: 971443). This variant has not been reported in the literature in individuals affected with RGS9-related conditions. This variant is present in population databases (rs376498676, gnomAD 0.0009%). This sequence change replaces aspartic acid, which is acidic and polar, with tyrosine, which is neutral and polar, at codon 88 of the RGS9 protein (p.Asp88Tyr).